The following is an entry in ClinVar:

NM_000123.4(ERCC5):c.1926A>G (p.Glu642=)

Genes: BIVM-ERCC5 (BIVM-ERCC5 readthrough; plus strand), ERCC5 (ERCC excision repair 5, endonuclease; plus strand). Cytogenetic location: 13q33.1.
Variant type: single nucleotide variant.
Coding change: c.1926A>G on transcript NM_000123.4 (MANE Select); coding-DNA position 1926, A replaced by G.
Protein change: p.Glu642=; no amino-acid change (glutamic acid 642 retained).
Molecular consequence: synonymous variant.
Genome position (GRCh38, 1-based): chr13:102,863,075, A>G. VCF-style: chr13-102863075-A-G. GRCh37 (hg19) VCF-style: chr13-103515425-A-G.
Other names: c.3288A>G, p.Glu1096= (NM_001204425.2).
Identifiers: ClinVar variation 310926 (VCV000310926.16), dbSNP rs575691378, ClinGen allele CA7041482.

ClinVar aggregate classification (germline): Benign/Likely benign. Review status: criteria provided, multiple submitters, no conflicts (2 of 4 stars). 5 submissions from 5 submitters: Benign (2); Likely benign (2). 1 of the submissions does not count toward it. Last evaluated 2026-01-26.

Conditions:
Xeroderma pigmentosum, group G (XPG). Also called: ERCC5-Related Xeroderma Pigmentosum; XERODERMA PIGMENTOSUM VII; XP, GROUP G; Xeroderma pigmentosum type 7. Identifiers: MedGen C0268141, MONDO:0010216, OMIM 278780.
ERCC5-related disorder. Also called: ERCC5-related condition.
Hereditary cancer-predisposing syndrome. Also called: Hereditary neoplastic syndrome; Tumor predisposition; Hereditary Cancer Syndrome; Neoplastic Syndromes, Hereditary. Identifiers: Orphanet 140162, MedGen C0027672, MeSH D009386, MONDO:0015356.

Allele frequency attached by ClinVar (database versions not stated): gnomAD 0.00001 and 0.00019; TOPMed 0.00006; gnomAD exomes 0.00043 and 0.00085; ExAC 0.00093; 1000 Genomes Project 30x 0.00094; 1000 Genomes Project 0.00100.
gnomAD v4.1: 660 of 1,614,078 alleles (0.041%); highest among the groups gnomAD compares: South Asian, 0.7%; 6 homozygotes.

Submissions (5):

Labcorp Genetics (formerly Invitae), Labcorp
Classification: Benign. Last evaluated: 2026-01-26. Review status: criteria provided, single submitter. Criteria: Invitae Variant Classification Sherloc (09022015). Collection method: clinical testing. Allele origin: germline.

Blueprint Genetics
Classification: Likely benign. Last evaluated: 2024-11-25. Review status: criteria provided, single submitter. Criteria: ACMG Guidelines, 2015. Collection method: clinical testing. Allele origin: germline.

Sema4
Classification: Benign for Hereditary cancer-predisposing syndrome. Last evaluated: 2020-10-06. Review status: criteria provided, single submitter. Criteria: Sema4 Curation Guidelines. Collection method: curation. Allele origin: germline.

Illumina Laboratory Services, Illumina
Classification: Likely benign for Xeroderma pigmentosum, group G. Last evaluated: 2018-01-12. Review status: criteria provided, single submitter. Criteria: ICSL Variant Classification Criteria 13 December 2019. Collection method: clinical testing. Allele origin: germline.
Comment: This variant was observed in the ICSL laboratory as part of a predisposition screen in an ostensibly healthy population. It had not been previously curated by ICSL or reported in the Human Gene Mutation Database (HGMD: prior to June 1st, 2018), and was therefore a candidate for classification through an automated scoring system. Utilizing variant allele frequency, disease prevalence and penetrance estimates, and inheritance mode, an automated score was calculated to assess if this variant is too frequent to cause the disease. Based on the score and internal cut-off values, a variant classified as likely benign is not then subjected to further curation. The score for this variant resulted in a classification of likely benign for this disease.

PreventionGenetics, part of Exact Sciences
Classification: Likely benign for ERCC5-related condition. Last evaluated: 2019-04-05. Review status: no assertion criteria provided. Collection method: clinical testing. Allele origin: germline. Not counted in ClinVar's aggregate classification.
Comment: This variant is classified as likely benign based on ACMG/AMP sequence variant interpretation guidelines (Richards et al. 2015 PMID: 25741868, with internal and published modifications).